The following is an entry in ClinVar:

ClinVar aggregate classification (germline): Uncertain significance (1 of 4 stars; one submission).

Allele frequency attached by ClinVar (database versions not stated): gnomAD exomes below 0.00001; TOPMed below 0.00001.

Submission:

Labcorp Genetics (formerly Invitae), Labcorp
Classification: Uncertain significance. Last evaluated: 2022-07-23. Review status: criteria provided, single submitter. Criteria: Invitae Variant Classification Sherloc (09022015). Collection method: clinical testing. Allele origin: germline.
Comment: This variant has not been reported in the literature in individuals affected with GPIHBP1-related conditions. In summary, the available evidence is currently insufficient to determine the role of this variant in disease. Therefore, it has been classified as a Variant of Uncertain Significance. Algorithms developed to predict the effect of sequence changes on RNA splicing suggest that this variant may create or strengthen a splice site. The frequency data for this variant in the population databases is considered unreliable, as metrics indicate poor data quality at this position in the gnomAD database. This sequence change falls in intron 1 of the GPIHBP1 gene. It does not directly change the encoded amino acid sequence of the GPIHBP1 protein.

NM_178172.6(GPIHBP1):c.52+7G>A

Gene: GPIHBP1 (glycosylphosphatidylinositol anchored high density lipoprotein binding protein 1; plus strand). Cytogenetic location: 8q24.3.
Variant type: single nucleotide variant.
Coding change: c.52+7G>A on transcript NM_178172.6 (MANE Select); 7 bases into the intron after coding-DNA position 52, G replaced by A.
Molecular consequence: intron variant.
Genome position (GRCh38, 1-based): chr8:143,213,326, G>A. VCF-style: chr8-143213326-G-A. GRCh37 (hg19) VCF-style: chr8-144295201-G-A.
Other names: c.52+7G>A (NM_001301772.2).
Identifiers: ClinVar variation 1942442 (VCV001942442.5), dbSNP rs1395405209, ClinGen allele CA585405613.